The following is an entry in ClinVar:

ClinVar aggregate classification (germline): Likely benign (0 of 4 stars; one submission).

Conditions:
IFT74-related disorder. Also called: IFT74-related condition; IFT74-Related Disorders.

Submission:

PreventionGenetics, part of Exact Sciences
Classification: Likely benign for IFT74-related condition. Last evaluated: 2022-05-20. Review status: no assertion criteria provided. Collection method: clinical testing. Allele origin: germline.
Comment: This variant is classified as likely benign based on ACMG/AMP sequence variant interpretation guidelines (Richards et al. 2015 PMID: 25741868, with internal and published modifications).

NM_025103.4(IFT74):c.1054+7413C>T

Gene: IFT74 (intraflagellar transport 74; plus strand). Cytogenetic location: 9p21.2.
Variant type: single nucleotide variant.
Coding change: c.1054+7413C>T on transcript NM_025103.4 (MANE Select); 7413 bases into the intron after coding-DNA position 1054, C replaced by T.
Molecular consequence: intron variant. On other transcripts: 3 prime UTR variant (1).
Genome position (GRCh38, 1-based): chr9:27,036,517, C>T. VCF-style: chr9-27036517-C-T. GRCh37 (hg19) VCF-style: chr9-27036515-C-T.
Other names: c.*3C>T (NM_001099224.3); c.1054+7413C>T (NM_001099223.3, NM_001099222.3, NM_001349928.2).
Identifiers: ClinVar variation 3353296 (VCV003353296.1).